The following is an entry in ClinVar:

NM_001267550.2(TTN):c.29420+10A>G

Gene: TTN (titin; minus strand). Cytogenetic location: 2q31.2.
Variant type: single nucleotide variant.
Coding change: c.29420+10A>G on transcript NM_001267550.2 (MANE Select); 10 bases into the intron after coding-DNA position 29420, A replaced by G.
Molecular consequence: intron variant.
Genome position (GRCh38, 1-based): chr2:178,706,444, T>C on the plus strand (A>G on the coding strand, the complement: TTN is on the minus strand). VCF-style: chr2-178706444-T-C. GRCh37 (hg19) VCF-style: chr2-179571171-T-C.
Other names: c.13282+31638A>G (NM_003319.4); c.13858+31638A>G (NM_133437.4); c.13657+31638A>G (NM_133432.3); c.25688+10A>G (NM_133378.4); c.28469+10A>G (NM_001256850.1).
Identifiers: ClinVar variation 390870 (VCV000390870.11), dbSNP rs759753042, ClinGen allele CA16604189.

ClinVar aggregate classification (germline): Likely benign. Review status: criteria provided, multiple submitters, no conflicts (2 of 4 stars). 2 submissions from 2 submitters: Likely benign (2). Last evaluated 2025-08-05.

Conditions:
Dilated cardiomyopathy 1G (CMD1G). Identifiers: Orphanet 154, MedGen C1858763, MONDO:0011400, OMIM 604145.
Autosomal recessive limb-girdle muscular dystrophy type 2J (LGMDR10). Also called: MUSCULAR DYSTROPHY, LIMB-GIRDLE, AUTOSOMAL RECESSIVE 10; Limb-girdle muscular dystrophy, type 2J. Identifiers: Orphanet 140922, MedGen C1837342, MONDO:0012127, OMIM 608807.

Allele frequency attached by ClinVar (database versions not stated): gnomAD 0.00001; TOPMed 0.00001; gnomAD exomes 0.00002.
gnomAD v4.1: 31 of 1,602,236 alleles (0.0019%); highest among the groups gnomAD compares: East Asian, 0.0045%; no homozygotes.

Submissions (2):

Labcorp Genetics (formerly Invitae), Labcorp
Classification: Likely benign for Dilated cardiomyopathy 1G; Autosomal recessive limb-girdle muscular dystrophy type 2J. Last evaluated: 2025-08-05. Review status: criteria provided, single submitter. Criteria: Invitae Variant Classification Sherloc (09022015). Collection method: clinical testing. Allele origin: germline.

GeneDx
Classification: Likely benign. Last evaluated: 2016-11-17. Review status: criteria provided, single submitter. Criteria: GeneDx Variant Classification (06012015). Collection method: clinical testing. Allele origin: germline. Affected: yes.
Comment: This variant is considered likely benign or benign based on one or more of the following criteria: it is a conservative change, it occurs at a poorly conserved position in the protein, it is predicted to be benign by multiple in silico algorithms, and/or has population frequency not consistent with disease.